The following is an entry in ClinVar:

NM_005559.4(LAMA1):c.6123C>T (p.Ala2041=)

Gene: LAMA1 (laminin subunit alpha 1; minus strand). Cytogenetic location: 18p11.31.
Variant type: single nucleotide variant.
Coding change: c.6123C>T on transcript NM_005559.4 (MANE Select); coding-DNA position 6123, C replaced by T.
Protein change: p.Ala2041=; no amino-acid change (alanine 2041 retained).
Molecular consequence: synonymous variant.
Genome position (GRCh38, 1-based): chr18:6,978,263, G>A on the plus strand (C>T on the coding strand, the complement: LAMA1 is on the minus strand). VCF-style: chr18-6978263-G-A. GRCh37 (hg19) VCF-style: chr18-6978262-G-A.
Identifiers: ClinVar variation 4993155 (VCV004993155.1).
Genomic context (GRCh38, chr18:6,978,263, plus strand): 5'-GGTGGAGTCCTGCAGAAGCTGGTGTGTCTCTCGTAATGTGGTGTTGACCCTGGACAGGCT[G>A]GCAGATGTGTTCAGCAGCTCCTGGCTCAGCCCCGCCACGTCCCTCAGCGTGCTCACCGCG-3'
Protein context (NP_005550.2, residues 2031-2051): GLSQELLNTS[Ala2041=]SLSRVNTTLR

ClinVar aggregate classification (germline): Likely benign (1 of 4 stars; one submission).

Conditions:
LAMA1-related disorder. Also called: LAMA1-related disorders; LAMA1-related condition.

Submission:

PreventionGenetics, part of Exact Sciences
Classification: Likely benign for LAMA1-related condition. Last evaluated: 2025-10-16. Review status: criteria provided, single submitter. Criteria: ACMG Guidelines, 2015. Collection method: clinical testing. Allele origin: germline.
Comment: This variant is classified as likely benign based on ACMG/AMP sequence variant interpretation guidelines (Richards et al. 2015 PMID: 25741868, with internal and published modifications).